The following is an entry in ClinVar:

ClinVar aggregate classification (germline): Likely benign. Review status: criteria provided, multiple submitters, no conflicts (2 of 4 stars). 2 submissions from 2 submitters: Likely benign (2). Last evaluated 2017-04-27.

Conditions:
Nail-patella syndrome (NPS). Also called: FONG DISEASE; ONYCHOOSTEODYSPLASIA; TURNER-KIESER SYNDROME. Identifiers: Orphanet 2614, MedGen C0027341, MONDO:0008061, OMIM 161200.

Allele frequency attached by ClinVar (database versions not stated): 1000 Genomes Project 0.00060; 1000 Genomes Project 30x 0.00062; TOPMed 0.00111.

Submissions (2):

Illumina Laboratory Services, Illumina
Classification: Likely benign for Nail-patella syndrome. Last evaluated: 2017-04-27. Review status: criteria provided, single submitter. Criteria: ICSL Variant Classification Criteria 13 December 2019. Collection method: clinical testing. Allele origin: germline.
Comment: This variant was observed as part of a predisposition screen in an ostensibly healthy population. A literature search was performed for the gene, cDNA change, and amino acid change (where applicable). No publications were found based on this search. Allele frequency data from public databases allowed determination this variant is unlikely to cause disease. Therefore, this variant is classified as likely benign.

Breakthrough Genomics
Classification: Likely benign. Review status: criteria provided, single submitter. Criteria: ACMG Guidelines, 2015. Collection method: not provided. Allele origin: germline. Inheritance: Autosomal dominant inheritance. Affected: yes.

NM_001174147.2(LMX1B):c.*4568C>T

Gene: LMX1B (LIM homeobox transcription factor 1 beta; plus strand). Cytogenetic location: 9q33.3.
Variant type: single nucleotide variant.
Coding change: c.*4568C>T on transcript NM_001174147.2 (MANE Select); 4568 bases downstream of the stop codon, C replaced by T.
Molecular consequence: 3 prime UTR variant.
Genome position (GRCh38, 1-based): chr9:126,701,019, C>T. VCF-style: chr9-126701019-C-T. GRCh37 (hg19) VCF-style: chr9-129463298-C-T.
Other names: c.*4568C>T (NM_001174146.2, NM_002316.4).
Identifiers: ClinVar variation 365000 (VCV000365000.6), dbSNP rs539011309, ClinGen allele CA10626427.